The following is an entry in ClinVar:

NC_000006.11:g.(?_64708958)_(64709086_?)del

Gene: EYS (eyes shut homolog; minus strand). Cytogenetic location: 6q12.
Variant type: Deletion.
Identifiers: ClinVar variation 1076620 (VCV001076620.5).

ClinVar aggregate classification (germline): Pathogenic (1 of 4 stars; one submission).

Submission:

Labcorp Genetics (formerly Invitae), Labcorp
Classification: Pathogenic. Last evaluated: 2022-02-20. Review status: criteria provided, single submitter. Criteria: Invitae Variant Classification Sherloc (09022015). Collection method: clinical testing. Allele origin: germline.
Comment: This variant is a gross deletion of the genomic region encompassing exon(s) 34 of the EYS gene. This deletion is out-of-frame, and is expected to create a premature termination codon and result in an absent or disrupted protein product. Loss-of-function variants in EYS are known to be pathogenic (PMID: 18836446, 20333770). A similar copy number variant has been observed in individual(s) with EYS-related conditions (PMID: 28041643, 29074561). For these reasons, this variant has been classified as Pathogenic.

Literature cited by the submitters: PubMed 18836446; PubMed 20333770; PubMed 28041643; PubMed 29074561.